The following is an entry in ClinVar:

ClinVar aggregate classification (germline): Uncertain significance. Review status: criteria provided, multiple submitters, no conflicts (2 of 4 stars). 2 submissions from 2 submitters: Uncertain significance (2). Last evaluated 2025-05-17.

Conditions:
Cardiovascular phenotype. Identifiers: MedGen CN230736.

Allele frequency attached by ClinVar (database versions not stated): gnomAD exomes below 0.00001.
gnomAD v4.1: 1 of 1,613,116 alleles (0.000062%); highest among the groups gnomAD compares: Non-Finnish European, 0.000085%; no homozygotes.

Submissions (2):

Ambry Genetics
Classification: Uncertain significance for Cardiovascular phenotype. Last evaluated: 2025-05-17. Review status: criteria provided, single submitter. Criteria: Ambry Variant Classification Scheme 2023. Collection method: clinical testing. Allele origin: germline.

Labcorp Genetics (formerly Invitae), Labcorp
Classification: Uncertain significance. Last evaluated: 2023-03-30. Review status: criteria provided, single submitter. Criteria: Invitae Variant Classification Sherloc (09022015). Collection method: clinical testing. Allele origin: germline.
Comment: This sequence change replaces histidine, which is basic and polar, with arginine, which is basic and polar, at codon 417 of the TBX20 protein (p.His417Arg). In summary, the available evidence is currently insufficient to determine the role of this variant in disease. Therefore, it has been classified as a Variant of Uncertain Significance. An algorithm developed to predict the effect of missense changes on protein structure and function (PolyPhen-2) suggests that this variant is likely to be tolerated. ClinVar contains an entry for this variant (Variation ID: 2089312). This variant has not been reported in the literature in individuals affected with TBX20-related conditions. This variant is present in population databases (no rsID available, gnomAD 0.0009%).

NM_001077653.2(TBX20):c.1250A>G (p.His417Arg)

Gene: TBX20 (T-box transcription factor 20; minus strand). Cytogenetic location: 7p14.2.
Variant type: single nucleotide variant.
Coding change: c.1250A>G on transcript NM_001077653.2 (MANE Select); coding-DNA position 1250, A replaced by G.
Protein change: p.His417Arg; replaces histidine 417 with arginine.
Molecular consequence: missense variant.
Genome position (GRCh38, 1-based): chr7:35,202,524, T>C on the plus strand (A>G on the coding strand, the complement: TBX20 is on the minus strand). VCF-style: chr7-35202524-T-C. GRCh37 (hg19) VCF-style: chr7-35242136-T-C.
Other names: short protein forms H417R.
Identifiers: ClinVar variation 2089312 (VCV002089312.5), dbSNP rs1171656762, ClinGen allele CA367262904.
Genomic context (GRCh38, chr7:35,202,524, plus strand): 5'-CGTAGTCCTTGAATGGCAGCATAGGGCCCCTGCTGAAAATAGTGATGGTATCGCGGCATG[T>C]GGAATGAAGGGAATGTGGGGCCACTCCCTTGCATGGAGCTGGCAATGGCCGATGGTGTCA-3'
Protein context (NP_001071121.1, residues 407-427): QGSGPTFPSF[His417Arg]MPRYHHYFQQ